The following is an entry in ClinVar:

NM_014727.3(KMT2B):c.6018G>A (p.Glu2006=)

Gene: KMT2B (lysine methyltransferase 2B; plus strand). Cytogenetic location: 19q13.12.
Variant type: single nucleotide variant.
Coding change: c.6018G>A on transcript NM_014727.3 (MANE Select); coding-DNA position 6018, G replaced by A.
Protein change: p.Glu2006=; no amino-acid change (glutamic acid 2006 retained).
Molecular consequence: synonymous variant.
Genome position (GRCh38, 1-based): chr19:35,732,567, G>A. VCF-style: chr19-35732567-G-A. GRCh37 (hg19) VCF-style: chr19-36223468-G-A.
Identifiers: ClinVar variation 3015490 (VCV003015490.17), dbSNP rs775019012, ClinGen allele CA9385580.

ClinVar aggregate classification (germline): Likely benign. Review status: criteria provided, multiple submitters, no conflicts (2 of 4 stars). 2 submissions from 2 submitters: Likely benign (2). Last evaluated 2024-10-01.

Allele frequency attached by ClinVar (database versions not stated): TOPMed below 0.00001; ExAC 0.00001; gnomAD 0.00001; gnomAD exomes 0.00001.
gnomAD v4.1: 5 of 1,613,410 alleles (0.00031%); highest among the groups gnomAD compares: Non-Finnish European, 0.00042%; no homozygotes.

Submissions (2):

CeGaT Center for Human Genetics Tuebingen
Classification: Likely benign. Last evaluated: 2024-10-01. Review status: criteria provided, single submitter. Criteria: CeGaT Center For Human Genetics Tuebingen Variant Classification Criteria Version 2. Collection method: clinical testing. Allele origin: germline. Affected: yes. Observed: 1 variant allele.
Comment: KMT2B: BP4, BP7

Labcorp Genetics (formerly Invitae), Labcorp
Classification: Likely benign. Last evaluated: 2023-08-10. Review status: criteria provided, single submitter. Criteria: Invitae Variant Classification Sherloc (09022015). Collection method: clinical testing. Allele origin: germline.